The following is an entry in ClinVar:

ClinVar aggregate classification (germline): Likely benign (0 of 4 stars; one submission).

Conditions:
GLYCTK-related disorder. Also called: GLYCTK-related condition.

Allele frequency attached by ClinVar (database versions not stated): gnomAD exomes below 0.00001.
gnomAD v4.1: 1 of 1,614,144 alleles (0.000062%); highest among the groups gnomAD compares: Non-Finnish European, 0.000085%; no homozygotes.

Submission:

PreventionGenetics, part of Exact Sciences
Classification: Likely benign for GLYCTK-related condition. Last evaluated: 2021-02-17. Review status: no assertion criteria provided. Collection method: clinical testing. Allele origin: germline.
Comment: This variant is classified as likely benign based on ACMG/AMP sequence variant interpretation guidelines (Richards et al. 2015 PMID: 25741868, with internal and published modifications).

NM_145262.4(GLYCTK):c.1491G>A (p.Gln497=)

Gene: GLYCTK (glycerate kinase; plus strand). Cytogenetic location: 3p21.2.
Variant type: single nucleotide variant.
Coding change: c.1491G>A on transcript NM_145262.4 (MANE Select); coding-DNA position 1491, G replaced by A.
Protein change: p.Gln497=; no amino-acid change (glutamine 497 retained).
Molecular consequence: synonymous variant. On other transcripts: 3 prime UTR variant (1), non-coding transcript variant (2).
Genome position (GRCh38, 1-based): chr3:52,293,045, G>A. VCF-style: chr3-52293045-G-A. GRCh37 (hg19) VCF-style: chr3-52327061-G-A.
Other names: c.*610G>A (NM_001144951.2).
Identifiers: ClinVar variation 3030611 (VCV003030611.2), dbSNP rs1174681511, ClinGen allele CA353076534.
Genomic context (GRCh38, chr3:52,293,045, plus strand): 5'-CCTGGACATAGCCACCTTCCTAGCCCACAATGACTCACATACCTTCTTCTGCTGCCTCCA[G>A]GGTGGGGCACACCTGCTGCACACAGGGATGACAGGTACCAATGTCATGGACACCCACCTC-3'
Protein context (NP_660305.2, residues 487-507): NDSHTFFCCL[Gln497=]GGAHLLHTGM